The following is an entry in ClinVar:

ClinVar aggregate classification (germline): Uncertain significance. Review status: criteria provided, multiple submitters, no conflicts (2 of 4 stars). 2 submissions from 2 submitters: Uncertain significance (2). Last evaluated 2026-01-15.

Conditions:
Cardiovascular phenotype. Identifiers: MedGen CN230736.
Long QT syndrome (LQTS). Identifiers: MedGen C0023976, MeSH D008133, MONDO:0002442. Disease mechanism: loss of function. Inheritance: Various modes of inheritance.

Submissions (2):

Labcorp Genetics (formerly Invitae), Labcorp
Classification: Uncertain significance for Long QT syndrome. Last evaluated: 2026-01-15. Review status: criteria provided, single submitter. Criteria: Invitae Variant Classification Sherloc (09022015). Collection method: clinical testing. Allele origin: germline.
Comment: This sequence change falls in intron 2 of the KCNJ5 gene. It does not directly change the encoded amino acid sequence of the KCNJ5 protein. It affects a nucleotide within the consensus splice site. This variant is present in population databases (rs775262536, gnomAD 0.007%). This variant has not been reported in the literature in individuals affected with KCNJ5-related conditions. ClinVar contains an entry for this variant (Variation ID: 1766721). Variants that disrupt the consensus splice site are a relatively common cause of aberrant splicing (PMID: 17576681, 9536098). Algorithms developed to predict the effect of sequence changes on RNA splicing suggest that this variant is not likely to affect RNA splicing. In summary, the available evidence is currently insufficient to determine the role of this variant in disease. Therefore, it has been classified as a Variant of Uncertain Significance.

Ambry Genetics
Classification: Uncertain significance for Cardiovascular phenotype. Last evaluated: 2022-03-08. Review status: criteria provided, single submitter. Criteria: Ambry Variant Classification Scheme 2023. Collection method: clinical testing. Allele origin: germline.
Comment: The c.937+4delA intronic variant, located in intron 1 of the KCNJ5 gene, results from a deletion of one nucleotide within intron 1 of the KCNJ5 gene. This nucleotide position is highly conserved in available vertebrate species. In silico splice site analysis predicts that this alteration will not have any significant effect on splicing. Since supporting evidence is limited at this time, the clinical significance of this alteration remains unclear.

Literature cited by the submitters: PubMed 17576681 (cited by Labcorp Genetics (formerly Invitae), Labcorp); PubMed 9536098 (cited by Labcorp Genetics (formerly Invitae), Labcorp).

NM_000890.5(KCNJ5):c.937+4del

Gene: KCNJ5 (potassium inwardly rectifying channel subfamily J member 5; plus strand). Cytogenetic location: 11q24.3.
Variant type: Deletion.
Coding change: c.937+4del on transcript NM_000890.5 (MANE Select); 4 bases into the intron after coding-DNA position 937, one base deleted (A; older notation c.937+4delA).
Molecular consequence: intron variant.
Genome position (GRCh38, 1-based): chr11:128,912,214, A deleted; the last of 2 consecutive A bases (chr11:128,912,213-128,912,214); deleting either gives the same sequence. VCF-style (leftmost placement, unchanged base first): chr11-128912212-TA-T. GRCh37 (hg19) VCF-style: chr11-128782107-TA-T.
Other names: c.937+4del (NM_001354169.2).
Identifiers: ClinVar variation 1766721 (VCV001766721.7), dbSNP rs775262536, ClinGen allele CA6357956.